The following is an entry in ClinVar:

NM_006892.4(DNMT3B):c.2164G>A (p.Asp722Asn)

Gene: DNMT3B (DNA methyltransferase 3 beta; plus strand). Cytogenetic location: 20q11.21.
Variant type: single nucleotide variant.
Coding change: c.2164G>A on transcript NM_006892.4 (MANE Select); coding-DNA position 2164, G replaced by A.
Protein change: p.Asp722Asn; replaces aspartic acid 722 with asparagine.
Molecular consequence: missense variant.
Genome position (GRCh38, 1-based): chr20:32,802,403, G>A. VCF-style: chr20-32802403-G-A. GRCh37 (hg19) VCF-style: chr20-31390209-G-A.
Other names: c.1978G>A, p.Asp660Asn (NM_001207055.2); c.1876G>A, p.Asp626Asn (NM_001207056.2); c.2104G>A, p.Asp702Asn (NM_175848.2, NM_175849.2); c.2140G>A, p.Asp714Asn (NM_175850.3); short protein forms D626N, D714N, D722N, D660N, D702N.
Identifiers: ClinVar variation 642223 (VCV000642223.9), dbSNP rs1056119394, ClinGen allele CA313156192.

ClinVar aggregate classification (germline): Uncertain significance. Review status: criteria provided, multiple submitters, no conflicts (2 of 4 stars). 2 submissions from 2 submitters: Uncertain significance (2). Last evaluated 2021-08-30.

Conditions:
Immunodeficiency-centromeric instability-facial anomalies syndrome 1 (ICF1). Identifiers: Orphanet 2268, MedGen C4551557, MONDO:0009454, OMIM 242860.
Centromeric instability of chromosomes 1,9 and 16 and immunodeficiency (ICF1). Also called: Immunodeficiency-centromeric instability-facial anomalies; CENTROMERIC INSTABILITY, IMMUNODEFICIENCY SYNDROME; IMMUNE DEFICIENCY, VARIABLE, WITH CENTROMERIC INSTABILITY OF CHROMOSOMES 1, 9, AND 16; IMMUNODEFICIENCY SYNDROME, VARIABLE. Identifiers: Orphanet 2268, MedGen C0398788, MONDO:0000133.

Allele frequency attached by ClinVar (database versions not stated): gnomAD exomes below 0.00001 and 0.00002; TOPMed below 0.00001; gnomAD 0.00001.

Submissions (2):

Labcorp Genetics (formerly Invitae), Labcorp
Classification: Uncertain significance for Centromeric instability of chromosomes 1,9 and 16 and immunodeficiency. Last evaluated: 2021-08-30. Review status: criteria provided, single submitter. Criteria: Invitae Variant Classification Sherloc (09022015). Collection method: clinical testing. Allele origin: germline.
Comment: This sequence change replaces aspartic acid with asparagine at codon 722 of the DNMT3B protein (p.Asp722Asn). The aspartic acid residue is highly conserved and there is a small physicochemical difference between aspartic acid and asparagine. This variant is not present in population databases (ExAC no frequency). This variant has not been reported in the literature in individuals affected with DNMT3B-related conditions. Algorithms developed to predict the effect of missense changes on protein structure and function are either unavailable or do not agree on the potential impact of this missense change (SIFT: "Deleterious"; PolyPhen-2: "Probably Damaging"; Align-GVGD: "Class C15"). In summary, the available evidence is currently insufficient to determine the role of this variant in disease. Therefore, it has been classified as a Variant of Uncertain Significance.

Illumina Laboratory Services, Illumina
Classification: Uncertain significance for Immunodeficiency-centromeric instability-facial anomalies syndrome 1. Last evaluated: 2018-01-13. Review status: criteria provided, single submitter. Criteria: ICSL Variant Classification Criteria 13 December 2019. Collection method: clinical testing. Allele origin: germline.